The following is an entry in ClinVar:

ClinVar aggregate classification (germline): Uncertain significance (1 of 4 stars; one submission).

gnomAD v4.1: 2 of 1,612,256 alleles (0.00012%); highest among the groups gnomAD compares: South Asian, 0.0011%; no homozygotes.

Submission:

GeneDx
Classification: Uncertain significance. Last evaluated: 2024-12-23. Review status: criteria provided, single submitter. Criteria: GeneDx Variant Classification Process June 2021. Collection method: clinical testing. Allele origin: germline. Affected: yes.
Comment: Not observed at significant frequency in large population cohorts (gnomAD); In silico analysis indicates that this missense variant does not alter protein structure/function; Has not been previously published as pathogenic or benign to our knowledge

NM_001563.4(IMPG1):c.1219A>G (p.Thr407Ala)

Gene: IMPG1 (interphotoreceptor matrix proteoglycan 1; minus strand). Cytogenetic location: 6q14.1.
Variant type: single nucleotide variant.
Coding change: c.1219A>G on transcript NM_001563.4 (MANE Select); coding-DNA position 1219, A replaced by G.
Protein change: p.Thr407Ala; replaces threonine 407 with alanine.
Molecular consequence: missense variant.
Genome position (GRCh38, 1-based): chr6:76,002,990, T>C on the plus strand (A>G on the coding strand, the complement: IMPG1 is on the minus strand). VCF-style: chr6-76002990-T-C. GRCh37 (hg19) VCF-style: chr6-76712707-T-C.
Other names: c.985A>G, p.Thr329Ala (NM_001282368.2); short protein forms T329A, T407A.
Identifiers: ClinVar variation 3907851 (VCV003907851.1).